The following is an entry in ClinVar:

NM_020964.3(EPG5):c.5371T>C (p.Ser1791Pro)

Gene: EPG5 (ectopic P-granules 5 autophagy tethering factor; minus strand). Cytogenetic location: 18q12.3.
Variant type: single nucleotide variant.
Coding change: c.5371T>C on transcript NM_020964.3 (MANE Select); coding-DNA position 5371, T replaced by C.
Protein change: p.Ser1791Pro; replaces serine 1791 with proline.
Molecular consequence: missense variant.
Genome position (GRCh38, 1-based): chr18:45,882,421, A>G on the plus strand (T>C on the coding strand, the complement: EPG5 is on the minus strand). VCF-style: chr18-45882421-A-G. GRCh37 (hg19) VCF-style: chr18-43462386-A-G.
Other names: short protein forms S1791P.
Identifiers: ClinVar variation 942871 (VCV000942871.10), dbSNP rs2049117384, ClinGen allele CA402344891.

ClinVar aggregate classification (germline): Uncertain significance (1 of 4 stars; one submission).

Conditions:
Vici syndrome (VICIS). Identifiers: Orphanet 1493, MedGen C1855772, MONDO:0009452, OMIM 242840.

Submission:

Labcorp Genetics (formerly Invitae), Labcorp
Classification: Uncertain significance for Vici syndrome. Last evaluated: 2025-03-31. Review status: criteria provided, single submitter. Criteria: Invitae Variant Classification Sherloc (09022015). Collection method: clinical testing. Allele origin: germline.
Comment: This sequence change replaces serine, which is neutral and polar, with proline, which is neutral and non-polar, at codon 1791 of the EPG5 protein (p.Ser1791Pro). This variant is not present in population databases (gnomAD no frequency). This variant has not been reported in the literature in individuals affected with EPG5-related conditions. ClinVar contains an entry for this variant (Variation ID: 942871). Invitae Evidence Modeling of protein sequence and biophysical properties (such as structural, functional, and spatial information, amino acid conservation, physicochemical variation, residue mobility, and thermodynamic stability) indicates that this missense variant is expected to disrupt EPG5 protein function with a positive predictive value of 80%. In summary, the available evidence is currently insufficient to determine the role of this variant in disease. Therefore, it has been classified as a Variant of Uncertain Significance.